The following is an entry in ClinVar:

ClinVar aggregate classification (germline): Uncertain significance. Review status: criteria provided, multiple submitters, no conflicts (2 of 4 stars). 2 submissions from 2 submitters: Uncertain significance (2). Last evaluated 2026-01-20.

Conditions:
Inborn genetic diseases. Identifiers: MedGen C0950123, MeSH D030342.
Trichorhinophalangeal dysplasia type I (TRPS1). Also called: TRICHORHINOPHALANGEAL SYNDROME, TYPE I; TRPS I. Identifiers: Orphanet 77258, MedGen C0432233, MONDO:0008596, OMIM 190350.
Trichorhinophalangeal syndrome, type III (TRPS3). Also called: SUGIO-KAJII SYNDROME. Identifiers: Orphanet 77258, MedGen C1860823, OMIM 190351, MONDO:0008597.

Allele frequency attached by ClinVar (database versions not stated): TOPMed below 0.00001; gnomAD 0.00002; gnomAD exomes 0.00002; 1000 Genomes Project 30x 0.00016.
gnomAD v4.1: 29 of 1,613,912 alleles (0.0018%); highest among the groups gnomAD compares: Non-Finnish European, 0.0023%; no homozygotes.

Submissions (2):

Labcorp Genetics (formerly Invitae), Labcorp
Classification: Uncertain significance for Trichorhinophalangeal syndrome, type III; Trichorhinophalangeal dysplasia type I. Last evaluated: 2026-01-20. Review status: criteria provided, single submitter. Criteria: Invitae Variant Classification Sherloc (09022015). Collection method: clinical testing. Allele origin: germline.
Comment: This sequence change replaces glutamine, which is neutral and polar, with histidine, which is basic and polar, at codon 1020 of the TRPS1 protein (p.Gln1020His). This variant is present in population databases (no rsID available, gnomAD 0.003%). This variant has not been reported in the literature in individuals affected with TRPS1-related conditions. ClinVar contains an entry for this variant (Variation ID: 2934031). Invitae Evidence Modeling of protein sequence and biophysical properties (such as structural, functional, and spatial information, amino acid conservation, physicochemical variation, residue mobility, and thermodynamic stability) indicates that this missense variant is not expected to disrupt TRPS1 protein function with a negative predictive value of 80%. In summary, the available evidence is currently insufficient to determine the role of this variant in disease. Therefore, it has been classified as a Variant of Uncertain Significance.

Ambry Genetics
Classification: Uncertain significance for Inborn genetic diseases. Last evaluated: 2025-05-21. Review status: criteria provided, single submitter. Criteria: Ambry Variant Classification Scheme 2023. Collection method: clinical testing. Allele origin: germline.

NM_014112.5(TRPS1):c.3060G>T (p.Gln1020His)

Gene: TRPS1 (transcriptional repressor GATA binding 1; minus strand). Cytogenetic location: 8q23.3.
Variant type: single nucleotide variant.
Coding change: c.3060G>T on transcript NM_014112.5 (MANE Select); coding-DNA position 3060, G replaced by T.
Protein change: p.Gln1020His; replaces glutamine 1020 with histidine.
Molecular consequence: missense variant.
Genome position (GRCh38, 1-based): chr8:115,414,848, C>A on the plus strand (G>T on the coding strand, the complement: TRPS1 is on the minus strand). VCF-style: chr8-115414848-C-A. GRCh37 (hg19) VCF-style: chr8-116427076-C-A.
Other names: c.3033G>T, p.Gln1011His (NM_001282902.3); c.3039G>T, p.Gln1013His (NM_001282903.3); c.3021G>T, p.Gln1007His (NM_001330599.2); c.3060G>T (NM_014112.2); short protein forms Q1011H, Q1013H, Q1007H, Q1020H.
Identifiers: ClinVar variation 2934031 (VCV002934031.4), dbSNP rs1180435586, ClinGen allele CA372063604.